The following is an entry in ClinVar:

ClinVar aggregate classification (germline): Uncertain significance (1 of 4 stars; one submission).

Conditions:
Epilepsy, progressive myoclonic, 1B. Also called: PME. Identifiers: Orphanet 308, MedGen C2676254, MONDO:0012904, OMIM 612437.

Submission:

Labcorp Genetics (formerly Invitae), Labcorp
Classification: Uncertain significance for Epilepsy, progressive myoclonic, 1B. Last evaluated: 2022-03-22. Review status: criteria provided, single submitter. Criteria: Invitae Variant Classification Sherloc (09022015). Collection method: clinical testing. Allele origin: germline.
Comment: In summary, the available evidence is currently insufficient to determine the role of this variant in disease. Therefore, it has been classified as a Variant of Uncertain Significance. Algorithms developed to predict the effect of missense changes on protein structure and function are either unavailable or do not agree on the potential impact of this missense change (SIFT: "Deleterious"; PolyPhen-2: "Benign"; Align-GVGD: "Class C35"). This variant has not been reported in the literature in individuals affected with PRICKLE1-related conditions. This variant is not present in population databases (gnomAD no frequency). This sequence change replaces arginine, which is basic and polar, with leucine, which is neutral and non-polar, at codon 719 of the PRICKLE1 protein (p.Arg719Leu).

NM_153026.3(PRICKLE1):c.2156G>T (p.Arg719Leu)

Gene: PRICKLE1 (prickle planar cell polarity protein 1; minus strand). Cytogenetic location: 12q12.
Variant type: single nucleotide variant.
Coding change: c.2156G>T on transcript NM_153026.3 (MANE Select); coding-DNA position 2156, G replaced by T.
Protein change: p.Arg719Leu; replaces arginine 719 with leucine.
Molecular consequence: missense variant.
Genome position (GRCh38, 1-based): chr12:42,460,149, C>A on the plus strand (G>T on the coding strand, the complement: PRICKLE1 is on the minus strand). VCF-style: chr12-42460149-C-A. GRCh37 (hg19) VCF-style: chr12-42853951-C-A.
Other names: c.2156G>T, p.Arg719Leu (NM_001144881.2, NM_001144882.2, NM_001144883.2); short protein forms R719L.
Identifiers: ClinVar variation 1507517 (VCV001507517.8), dbSNP rs779059953, ClinGen allele CA384440084.